The following is an entry in ClinVar:

NM_017654.4(SAMD9):c.3679T>C (p.Tyr1227His)

Gene: SAMD9 (sterile alpha motif domain containing 9; minus strand). Cytogenetic location: 7q21.2.
Variant type: single nucleotide variant.
Coding change: c.3679T>C on transcript NM_017654.4 (MANE Select); coding-DNA position 3679, T replaced by C.
Protein change: p.Tyr1227His; replaces tyrosine 1227 with histidine.
Molecular consequence: missense variant.
Genome position (GRCh38, 1-based): chr7:93,102,419, A>G on the plus strand (T>C on the coding strand, the complement: SAMD9 is on the minus strand). VCF-style: chr7-93102419-A-G. GRCh37 (hg19) VCF-style: chr7-92731732-A-G.
Other names: c.3679T>C, p.Tyr1227His (NM_001193307.2); short protein forms Y1227H.
Identifiers: ClinVar variation 2500641 (VCV002500641.6), dbSNP rs373722071, ClinGen allele CA4342662.

ClinVar aggregate classification (germline): Uncertain significance. Review status: criteria provided, multiple submitters, no conflicts (2 of 4 stars). 4 submissions from 4 submitters: Uncertain significance (4). Last evaluated 2025-09-10.

Conditions:
SAMD9-related disorder. Also called: SAMD9-related condition.
Inborn genetic diseases. Identifiers: MedGen C0950123, MeSH D030342.

Allele frequency attached by ClinVar (database versions not stated): gnomAD 0.00001; ESP Exome Variant Server 0.00008.
gnomAD v4.1: 3 of 1,612,824 alleles (0.00019%); highest among the groups gnomAD compares: South Asian, 0.0011%; no homozygotes.

Submissions (4):

PreventionGenetics, part of Exact Sciences
Classification: Uncertain significance for SAMD9-related condition. Last evaluated: 2025-09-10. Review status: criteria provided, single submitter. Criteria: ACMG Guidelines, 2015. Collection method: clinical testing. Allele origin: germline.
Comment: The SAMD9 c.3679T>C variant is predicted to result in the amino acid substitution p.Tyr1227His. To our knowledge, this variant has not been reported in the literature. This variant is reported in 0.0033% of alleles in individuals of South Asian descent in gnomAD. At this time, the clinical significance of this variant is uncertain due to the absence of conclusive functional and genetic evidence.

Ambry Genetics
Classification: Uncertain significance for Inborn genetic diseases. Last evaluated: 2025-01-17. Review status: criteria provided, single submitter. Criteria: Ambry Variant Classification Scheme 2023. Collection method: clinical testing. Allele origin: germline.
Comment: The p.Y1227H variant (also known as c.3679T>C), located in coding exon 1 of the SAMD9 gene, results from a T to C substitution at nucleotide position 3679. The tyrosine at codon 1227 is replaced by histidine, an amino acid with similar properties. This amino acid position is conserved. In addition, this alteration is predicted to be tolerated by in silico analysis. Based on the available evidence, the clinical significance of this variant remains unclear.

GeneDx
Classification: Uncertain significance. Last evaluated: 2024-12-01. Review status: criteria provided, single submitter. Criteria: GeneDx Variant Classification Process June 2021. Collection method: clinical testing. Allele origin: germline.
Comment: Not observed at significant frequency in large population cohorts (gnomAD); In silico analysis indicates that this missense variant does not alter protein structure/function; Has not been previously published as pathogenic or benign to our knowledge

Labcorp Genetics (formerly Invitae), Labcorp
Classification: Uncertain significance. Last evaluated: 2024-03-07. Review status: criteria provided, single submitter. Criteria: Invitae Variant Classification Sherloc (09022015). Collection method: clinical testing. Allele origin: germline.
Comment: This sequence change replaces tyrosine, which is neutral and polar, with histidine, which is basic and polar, at codon 1227 of the SAMD9 protein (p.Tyr1227His). This variant is present in population databases (rs373722071, gnomAD 0.003%). This variant has not been reported in the literature in individuals affected with SAMD9-related conditions. ClinVar contains an entry for this variant (Variation ID: 2500641). Advanced modeling of protein sequence and biophysical properties (such as structural, functional, and spatial information, amino acid conservation, physicochemical variation, residue mobility, and thermodynamic stability) performed at Invitae indicates that this missense variant is not expected to disrupt SAMD9 protein function with a negative predictive value of 95%. In summary, the available evidence is currently insufficient to determine the role of this variant in disease. Therefore, it has been classified as a Variant of Uncertain Significance.